The following is an entry in ClinVar:

ClinVar aggregate classification (germline): Benign (1 of 4 stars; one submission).

Conditions:
Leigh syndrome (NULS). Also called: Leigh's necrotizing encephalopathy; Leigh's disease; Leigh Syndrome (mtDNA deletion); Leigh Disease; Subacute necrotizing encephalopathy; Necrotizing encephalopathy infantile subacute of Leigh. Identifiers: Orphanet 506, MedGen C2931891, MONDO:0009723, OMIM 256000.

Submission:

Wong Mito Lab, Molecular and Human Genetics, Baylor College of Medicine
Classification: Benign for Leigh syndrome. Last evaluated: 2019-10-17. Review status: criteria provided, single submitter. Criteria: Modified ACMG Guidelines (Unpublished). Collection method: clinical testing. Allele origin: germline.
Comment: The NC_012920.1:m.10914G>A (YP_003024035.1:p.Cys52Tyr) variant in MTND4 gene is interpretated to be a Benign variant based on the modified ACMG guidelines (unpublished). This variant meets the following evidence codes: BS1, BS2, BP4

NC_012920.1(MT-ND4):m.10914G>A

Gene: MT-ND4 (mitochondrially encoded NADH dehydrogenase 4; plus strand).
Variant type: single nucleotide variant.
Genome position: chrM-10914-G-A.
Identifiers: ClinVar variation 693327 (VCV000693327.1), dbSNP rs878931758, ClinGen allele CA337099043.